The following is an entry in ClinVar:

ClinVar aggregate classification (germline): Uncertain significance (1 of 4 stars; one submission).

Conditions:
Osteogenesis imperfecta type 7 (OI7). Also called: OSTEOGENESIS IMPERFECTA, TYPE IIB; Osteogenesis imperfecta type 2B; OI type 2B; Osteogenesis imperfecta, perinatal lethal autosomal recessive; OI type IIB; OI type 7. Identifiers: MedGen C1853162, MONDO:0012536, OMIM 610682.

Allele frequency attached by ClinVar (database versions not stated): gnomAD exomes below 0.00001; TOPMed below 0.00001; ExAC 0.00002.
gnomAD v4.1: 2 of 1,607,902 alleles (0.00012%); highest among the groups gnomAD compares: Non-Finnish European, 0.00017%; no homozygotes.

Submission:

Labcorp Genetics (formerly Invitae), Labcorp
Classification: Uncertain significance for Osteogenesis imperfecta type 7. Last evaluated: 2022-08-07. Review status: criteria provided, single submitter. Criteria: Invitae Variant Classification Sherloc (09022015). Collection method: clinical testing. Allele origin: germline.
Comment: In summary, the available evidence is currently insufficient to determine the role of this variant in disease. Therefore, it has been classified as a Variant of Uncertain Significance. Algorithms developed to predict the effect of missense changes on protein structure and function output the following: SIFT: "Tolerated"; PolyPhen-2: "Benign"; Align-GVGD: "Class C0". The valine amino acid residue is found in multiple mammalian species, which suggests that this missense change does not adversely affect protein function. This variant has not been reported in the literature in individuals affected with CRTAP-related conditions. This variant is present in population databases (rs772687031, gnomAD 0.003%). This sequence change replaces isoleucine, which is neutral and non-polar, with valine, which is neutral and non-polar, at codon 379 of the CRTAP protein (p.Ile379Val).

NM_006371.5(CRTAP):c.1135A>G (p.Ile379Val)

Gene: CRTAP (cartilage associated protein; plus strand). Cytogenetic location: 3p22.3.
Variant type: single nucleotide variant.
Coding change: c.1135A>G on transcript NM_006371.5 (MANE Select); coding-DNA position 1135, A replaced by G.
Protein change: p.Ile379Val; replaces isoleucine 379 with valine.
Molecular consequence: missense variant. On other transcripts: intron variant (1).
Genome position (GRCh38, 1-based): chr3:33,134,248, A>G. VCF-style: chr3-33134248-A-G. GRCh37 (hg19) VCF-style: chr3-33175740-A-G.
Other names: c.1006A>G, p.Ile336Val (NM_001393364.1); c.985A>G, p.Ile329Val (NM_001393365.1); c.1068+1548A>G (NM_001393363.1); short protein forms I336V, I329V, I379V.
Identifiers: ClinVar variation 2091730 (VCV002091730.4), dbSNP rs772687031, ClinGen allele CA2300498.
Genomic context (GRCh38, chr3:33,134,248, plus strand): 5'-GTTCAGTTCTTTAATGTGACCACACTCCAGAAGGAGCTGTATGACTTTGCTAAGGAAAAT[A>G]TAATGGATGATGATGAGGTAAGTTTTCATGCTTAGCACATGTCTGGTGGCTACGAGAAAA-3'
Protein context (NP_006362.1, residues 369-389): KELYDFAKEN[Ile379Val]MDDDEGEVVE